The following is an entry in ClinVar:

ClinVar aggregate classification (germline): Uncertain significance (1 of 4 stars; one submission).

Conditions:
Episodic ataxia type 2 (EA2). Also called: ATAXIA, EPISODIC, WITH NYSTAGMUS; ATAXIA, FAMILIAL PAROXYSMAL; ACETAZOLAMIDE-RESPONSIVE HEREDITARY PAROXYSMAL CEREBELLAR ATAXIA; CEREBELLAR ATAXIA, PAROXYSMAL, ACETAZOLAMIDE-RESPONSIVE; CEREBELLOPATHY, HEREDITARY PAROXYSMAL; EPISODIC ATAXIA, NYSTAGMUS-ASSOCIATED. Identifiers: Orphanet 97, MedGen C1720416, MONDO:0007163, OMIM 108500.
Developmental and epileptic encephalopathy, 42 (DEE42A). Also called: Epileptic encephalopathy, early infantile, 42; DEVELOPMENTAL AND EPILEPTIC ENCEPHALOPATHY 42A; EPILEPTIC ENCEPHALOPATHY, EARLY INFANTILE, 42A. Identifiers: MedGen C4310716, MONDO:0014917, OMIM 617106.

Submission:

Labcorp Genetics (formerly Invitae), Labcorp
Classification: Uncertain significance for Developmental and epileptic encephalopathy, 42; Episodic ataxia type 2. Last evaluated: 2024-02-06. Review status: criteria provided, single submitter. Criteria: Invitae Variant Classification Sherloc (09022015). Collection method: clinical testing. Allele origin: germline.
Comment: This sequence change replaces arginine, which is basic and polar, with cysteine, which is neutral and slightly polar, at codon 958 of the CACNA1A protein (p.Arg958Cys). This variant is not present in population databases (gnomAD no frequency). This variant has not been reported in the literature in individuals affected with CACNA1A-related conditions. Advanced modeling of protein sequence and biophysical properties (such as structural, functional, and spatial information, amino acid conservation, physicochemical variation, residue mobility, and thermodynamic stability) performed at Invitae indicates that this missense variant is not expected to disrupt CACNA1A protein function with a negative predictive value of 95%. In summary, the available evidence is currently insufficient to determine the role of this variant in disease. Therefore, it has been classified as a Variant of Uncertain Significance.

NM_001127222.2(CACNA1A):c.2869C>T (p.Arg957Cys)

Gene: CACNA1A (calcium voltage-gated channel subunit alpha1 A; minus strand). Cytogenetic location: 19p13.13.
Variant type: single nucleotide variant.
Coding change: c.2869C>T on transcript NM_001127222.2 (MANE Select); coding-DNA position 2869, C replaced by T.
Protein change: p.Arg957Cys; replaces arginine 957 with cysteine.
Molecular consequence: missense variant.
Genome position (GRCh38, 1-based): chr19:13,298,764, G>A on the plus strand (C>T on the coding strand, the complement: CACNA1A is on the minus strand). VCF-style: chr19-13298764-G-A. GRCh37 (hg19) VCF-style: chr19-13409578-G-A.
Other names: c.2881C>T, p.Arg961Cys (NM_000068.4, NM_023035.3); c.2872C>T, p.Arg958Cys (NM_001127221.2, NM_001174080.2); short protein forms R957C, R958C, R961C.
Identifiers: ClinVar variation 3751862 (VCV003751862.2).